The following is an entry in ClinVar:

NM_000278.5(PAX2):c.273G>A (p.Ala91=)

Gene: PAX2 (paired box 2; plus strand). Cytogenetic location: 10q24.31.
Variant type: single nucleotide variant.
Coding change: c.273G>A on transcript NM_000278.5 (MANE Select); coding-DNA position 273, G replaced by A.
Protein change: p.Ala91=; no amino-acid change (alanine 91 retained).
Molecular consequence: synonymous variant.
Genome position (GRCh38, 1-based): chr10:100,750,754, G>A. VCF-style: chr10-100750754-G-A. GRCh37 (hg19) VCF-style: chr10-102510511-G-A.
Other names: c.366G>A, p.Ala122= (NM_001304569.2); c.273G>A, p.Ala91= (NM_003987.5, NM_003988.5, NM_003989.5 and 1 more transcripts); c.273G>A (NM_003990.4).
Identifiers: ClinVar variation 2161712 (VCV002161712.5), dbSNP rs769483204, ClinGen allele CA471216118.

ClinVar aggregate classification (germline): Likely benign. Review status: criteria provided, multiple submitters, no conflicts (2 of 4 stars). 2 submissions from 2 submitters: Likely benign (2). Last evaluated 2024-12-26.

Conditions:
PAX2-Related Disorder. Also called: PAX2-related disorders. Identifiers: MedGen CN381309.
Focal segmental glomerulosclerosis 7 (FSGS7). Identifiers: Orphanet 656, MedGen C4014925, MONDO:0014451, OMIM 616002.
Renal coloboma syndrome (PAPRS). Also called: PAPILLORENAL SYNDROME; PAPILLORENAL SYNDROME WITH MILD OCULAR ABNORMALITIES; CONGENITAL ANOMALIES OF THE KIDNEY AND URINARY TRACT WITH OR WITHOUT OCULAR ABNORMALITIES; CAKUT WITH OR WITHOUT OCULAR ABNORMALITIES; COLOBOMA OF OPTIC NERVE WITH RENAL DISEASE; OPTIC COLOBOMA, VESICOURETERAL REFLUX, AND RENAL ANOMALIES. Identifiers: Orphanet 1475, MedGen C1852759, MONDO:0007352, OMIM 120330.

gnomAD v4.1: 8 of 1,614,078 alleles (0.0005%); highest among the groups gnomAD compares: African/African-American, 0.0053%; no homozygotes.

Submissions (2):

PreventionGenetics, part of Exact Sciences
Classification: Likely benign for PAX2-related condition. Last evaluated: 2024-12-26. Review status: criteria provided, single submitter. Criteria: ACMG Guidelines, 2015. Collection method: clinical testing. Allele origin: germline.
Comment: This variant is classified as likely benign based on ACMG/AMP sequence variant interpretation guidelines (Richards et al. 2015 PMID: 25741868, with internal and published modifications).

Labcorp Genetics (formerly Invitae), Labcorp
Classification: Likely benign for Renal coloboma syndrome; Focal segmental glomerulosclerosis 7. Last evaluated: 2024-09-27. Review status: criteria provided, single submitter. Criteria: Invitae Variant Classification Sherloc (09022015). Collection method: clinical testing. Allele origin: germline.